The following is an entry in ClinVar:

NM_005173.4(ATP2A3):c.1809G>A (p.Pro603=)

Gene: ATP2A3 (ATPase sarcoplasmic/endoplasmic reticulum Ca2+ transporting 3; minus strand). Cytogenetic location: 17p13.2.
Variant type: single nucleotide variant.
Coding change: c.1809G>A on transcript NM_005173.4 (MANE Select); coding-DNA position 1809, G replaced by A.
Protein change: p.Pro603=; no amino-acid change (proline 603 retained).
Molecular consequence: synonymous variant.
Genome position (GRCh38, 1-based): chr17:3,941,262, C>T on the plus strand (G>A on the coding strand, the complement: ATP2A3 is on the minus strand). VCF-style: chr17-3941262-C-T. GRCh37 (hg19) VCF-style: chr17-3844556-C-T.
Other names: c.1809G>A, p.Pro603= (NM_174953.3, NM_174954.3, NM_174955.3 and 3 more transcripts).
Identifiers: ClinVar variation 3052294 (VCV003052294.2), dbSNP rs780242076, ClinGen allele CA8297048.

ClinVar aggregate classification (germline): Likely benign (0 of 4 stars; one submission).

Conditions:
ATP2A3-related disorder. Also called: ATP2A3-related condition.

Allele frequency attached by ClinVar (database versions not stated): ExAC 0.00001; gnomAD 0.00001; gnomAD exomes 0.00001; TOPMed 0.00001.
gnomAD v4.1: 9 of 1,613,714 alleles (0.00056%); highest among the groups gnomAD compares: Middle Eastern, 0.016%; no homozygotes.

Submission:

PreventionGenetics, part of Exact Sciences
Classification: Likely benign for ATP2A3-related condition. Last evaluated: 2020-02-04. Review status: no assertion criteria provided. Collection method: clinical testing. Allele origin: germline.
Comment: This variant is classified as likely benign based on ACMG/AMP sequence variant interpretation guidelines (Richards et al. 2015 PMID: 25741868, with internal and published modifications).